The following is an entry in ClinVar:

ClinVar aggregate classification (germline): Uncertain significance. Review status: criteria provided, multiple submitters, no conflicts (2 of 4 stars). 2 submissions from 2 submitters: Uncertain significance (2). Last evaluated 2023-06-08.

Conditions:
Arrhythmogenic right ventricular dysplasia 5. Also called: Arrhythmogenic Right Ventricular Dysplasia/Cardiomyopathy 5; ARRHYTHMOGENIC RIGHT VENTRICULAR DYSPLASIA, FAMILIAL, 5. Identifiers: MedGen C1858379, MONDO:0011459, OMIM 604400.
Cardiomyopathy (CMYO). Also called: Cardiomyopathies. Identifiers: Orphanet 167848, MedGen C0878544, MONDO:0004994, HP:0001638. Inheritance: Various modes of inheritance.

Allele frequency attached by ClinVar (database versions not stated): TOPMed below 0.00001.

Submissions (2):

All of Us Research Program, National Institutes of Health
Classification: Uncertain significance for Arrhythmogenic right ventricular dysplasia 5. Last evaluated: 2023-06-08. Review status: criteria provided, single submitter. Criteria: ACMG Guidelines, 2015. Collection method: clinical testing. Allele origin: germline. Inheritance: Autosomal dominant inheritance. Observed: 1 variant allele, 1 heterozygote.
Comment: This variant causes a T to A nucleotide substitution at the +6 position of intron 7 of the TMEM43 gene. To our knowledge, functional studies have not been reported for this variant. This variant has not been reported in individuals affected with TMEM43-related disorders in the literature. This variant has been identified in 1/31378 chromosomes in the general population by the Genome Aggregation Database (gnomAD). The available evidence is insufficient to determine the role of this variant in disease conclusively. Therefore, this variant is classified as a Variant of Uncertain Significance.

This study involves interpretation of variants in research participants for the purpose of population health screening. Participant phenotype was not available at the time of variant classification. Additional details can be found in publication PMID: 35346344, PMCID: PMC8962531

Color Diagnostics, LLC DBA Color Health
Classification: Uncertain significance for Cardiomyopathy. Last evaluated: 2023-03-15. Review status: criteria provided, single submitter. Criteria: ACMG Guidelines, 2015. Collection method: clinical testing. Allele origin: germline.
Comment: This variant causes a T to A nucleotide substitution at the +6 position of intron 7 of the TMEM43 gene. To our knowledge, functional studies have not been reported for this variant. This variant has not been reported in individuals affected with TMEM43-related disorders in the literature. This variant has been identified in 1/31378 chromosomes in the general population by the Genome Aggregation Database (gnomAD). The available evidence is insufficient to determine the role of this variant in disease conclusively. Therefore, this variant is classified as a Variant of Uncertain Significance.

NM_024334.3(TMEM43):c.583+6T>A

Gene: TMEM43 (transmembrane protein 43; plus strand). Cytogenetic location: 3p25.1.
Variant type: single nucleotide variant.
Coding change: c.583+6T>A on transcript NM_024334.3 (MANE Select); 6 bases into the intron after coding-DNA position 583, T replaced by A.
Molecular consequence: intron variant.
Genome position (GRCh38, 1-based): chr3:14,133,815, T>A. VCF-style: chr3-14133815-T-A. GRCh37 (hg19) VCF-style: chr3-14175315-T-A.
Other names: c.586+6T>A (NM_001407274.1); c.583+6T>A (NM_001407276.1, NM_001407275.1, NM_001407277.1 and 1 more transcripts); c.568+6T>A (NM_001407278.1); c.433+6T>A (NM_001407280.1).
Identifiers: ClinVar variation 2774599 (VCV002774599.3), dbSNP rs1171758510, ClinGen allele CA541296768.